The following is an entry in ClinVar:

NM_032590.5(KDM2B):c.3937C>T (p.Gln1313Ter)

Gene: KDM2B (lysine demethylase 2B; minus strand). Cytogenetic location: 12q24.31.
Variant type: single nucleotide variant.
Coding change: c.3937C>T on transcript NM_032590.5 (MANE Select); coding-DNA position 3937, C replaced by T.
Protein change: p.Gln1313Ter; replaces glutamine 1313 with a stop codon.
Molecular consequence: nonsense.
Genome position (GRCh38, 1-based): chr12:121,430,362, G>A on the plus strand (C>T on the coding strand, the complement: KDM2B is on the minus strand). VCF-style: chr12-121430362-G-A. GRCh37 (hg19) VCF-style: chr12-121868165-G-A.
Other names: c.3730C>T, p.Gln1244Ter (NM_001005366.2); short protein forms Q1244*, Q1313*.
Identifiers: ClinVar variation 2430752 (VCV002430752.1), dbSNP rs2547267532, ClinGen allele CA386968943.

ClinVar aggregate classification (germline): Uncertain significance (1 of 4 stars; one submission).

Submission:

GeneDx
Classification: Uncertain significance. Last evaluated: 2022-08-25. Review status: criteria provided, single submitter. Criteria: GeneDx Variant Classification Process June 2021. Collection method: clinical testing. Allele origin: germline. Affected: yes.
Comment: Not observed at significant frequency in large population cohorts (gnomAD); Nonsense variant predicted to result in protein truncation as the last 24 amino acids are lost, although loss-of-function variants have not been reported downstream of this position in the protein; Has not been previously published as pathogenic or benign to our knowledge; Variants in candidate genes are classified as variants of uncertain significance in accordance with ACMG guidelines (Richards et al., 2015)